The following is an entry in ClinVar:

ClinVar aggregate classification (germline): Pathogenic (1 of 4 stars; one submission).

Conditions:
Ataxia-telangiectasia syndrome (AT). Also called: Cerebello-oculocutaneous telangiectasia; Immunodeficiency with ataxia telangiectasia; Ataxia-telangiectasia, complementation group E; LOUIS-BAR SYNDROME; Ataxia telangiectasia (A-T); AT, COMPLEMENTATION GROUP C. Identifiers: Orphanet 100, MedGen C0004135, MONDO:0008840, OMIM 208900.

Submission:

Labcorp Genetics (formerly Invitae), Labcorp
Classification: Pathogenic for Ataxia-telangiectasia syndrome. Last evaluated: 2023-11-18. Review status: criteria provided, single submitter. Criteria: Invitae Variant Classification Sherloc (09022015). Collection method: clinical testing. Allele origin: germline.
Comment: This sequence change creates a premature translational stop signal (p.Leu896Serfs*2) in the ATM gene. It is expected to result in an absent or disrupted protein product. Loss-of-function variants in ATM are known to be pathogenic (PMID: 23807571, 25614872). This variant is not present in population databases (gnomAD no frequency). This variant has not been reported in the literature in individuals affected with ATM-related conditions. For these reasons, this variant has been classified as Pathogenic.

Literature cited by the submitters: PubMed 23807571; PubMed 25614872.

NM_000051.4(ATM):c.2686_2689del (p.Leu896fs)

Gene: ATM (ATM serine/threonine kinase; plus strand). Cytogenetic location: 11q22.3.
Variant type: Deletion.
Coding change: c.2686_2689del on transcript NM_000051.4 (MANE Select); coding-DNA positions 2686 to 2689, 4 bases deleted (CTTT; older notation c.2686_2689delCTTT).
Protein change: p.Leu896fs; shifts the reading frame from leucine 896.
Molecular consequence: frameshift variant.
Genome position (GRCh38, 1-based): chr11:108,268,457-108,268,460, CTTT deleted. VCF-style (leftmost placement, unchanged base first): chr11-108268456-ACTTT-A. GRCh37 (hg19) VCF-style: chr11-108139183-ACTTT-A.
Other names: c.2686_2689del, p.Leu896fs (NM_001351834.2); short protein forms L896fs.
Identifiers: ClinVar variation 2697029 (VCV002697029.3), dbSNP rs2497632152, ClinGen allele CA2697558907.